The following is an entry in ClinVar:

NM_005219.5(DIAPH1):c.614C>T (p.Thr205Ile)

Gene: DIAPH1 (diaphanous related formin 1; minus strand). Cytogenetic location: 5q31.3.
Variant type: single nucleotide variant.
Coding change: c.614C>T on transcript NM_005219.5 (MANE Select); coding-DNA position 614, C replaced by T.
Protein change: p.Thr205Ile; replaces threonine 205 with isoleucine.
Molecular consequence: missense variant.
Genome position (GRCh38, 1-based): chr5:141,583,212, G>A on the plus strand (C>T on the coding strand, the complement: DIAPH1 is on the minus strand). VCF-style: chr5-141583212-G-A. GRCh37 (hg19) VCF-style: chr5-140962779-G-A.
Other names: c.587C>T, p.Thr196Ile (NM_001079812.3); c.614C>T, p.Thr205Ile (NM_001314007.2); short protein forms T205I, T196I.
Identifiers: ClinVar variation 1391552 (VCV001391552.6), dbSNP rs1489026152, ClinGen allele CA361540438.

ClinVar aggregate classification (germline): Uncertain significance (1 of 4 stars; one submission).

Conditions:
Progressive microcephaly-seizures-cortical blindness-developmental delay syndrome. Also called: Seizures, cortical blindness, and microcephaly syndrome. Identifiers: Orphanet 477814, MedGen C5567650, MONDO:0014714, OMIM 616632.
Autosomal dominant nonsyndromic hearing loss 1. Also called: DEAFNESS, AUTOSOMAL DOMINANT 1, WITH OR WITHOUT THROMBOCYTOPENIA; KONIGSMARK SYNDROME. Identifiers: Orphanet 90635, MedGen C1852282, MONDO:0007424, OMIM 124900.

Allele frequency attached by ClinVar (database versions not stated): gnomAD exomes below 0.00001.
gnomAD v4.1: 1 of 1,614,050 alleles (0.000062%); no homozygotes.

Submission:

Labcorp Genetics (formerly Invitae), Labcorp
Classification: Uncertain significance for Progressive microcephaly-seizures-cortical blindness-developmental delay syndrome; Autosomal dominant nonsyndromic hearing loss 1. Last evaluated: 2022-04-06. Review status: criteria provided, single submitter. Criteria: Invitae Variant Classification Sherloc (09022015). Collection method: clinical testing. Allele origin: germline.
Comment: This sequence change replaces threonine, which is neutral and polar, with isoleucine, which is neutral and non-polar, at codon 205 of the DIAPH1 protein (p.Thr205Ile). This variant is present in population databases (no rsID available, gnomAD 0.01%). This variant has not been reported in the literature in individuals affected with DIAPH1-related conditions. Algorithms developed to predict the effect of missense changes on protein structure and function output the following: SIFT: "Deleterious"; PolyPhen-2: "Not Available"; Align-GVGD: "Class C0". The isoleucine amino acid residue is found in multiple mammalian species, which suggests that this missense change does not adversely affect protein function. In summary, the available evidence is currently insufficient to determine the role of this variant in disease. Therefore, it has been classified as a Variant of Uncertain Significance.